The following is an entry in ClinVar:

ClinVar aggregate classification (germline): Uncertain significance. Review status: criteria provided, multiple submitters, no conflicts (2 of 4 stars). 2 submissions from 2 submitters: Uncertain significance (2). Last evaluated 2024-02-22.

Conditions:
Familial sleep-related hypermotor epilepsy. Also called: Autosomal Dominant Sleep-Related Hypermotor (Hyperkinetic) Epilepsy. Identifiers: Orphanet 98784, MedGen C3696898, MONDO:0000030.

Allele frequency attached by ClinVar (database versions not stated): gnomAD exomes 0.00002 and 0.00005; TOPMed 0.00003; gnomAD 0.00002.
gnomAD v4.1: 83 of 1,537,930 alleles (0.0054%); highest among the groups gnomAD compares: Non-Finnish European, 0.0065%; no homozygotes.

Submissions (2):

Labcorp Genetics (formerly Invitae), Labcorp
Classification: Uncertain significance. Last evaluated: 2024-02-22. Review status: criteria provided, single submitter. Criteria: Invitae Variant Classification Sherloc (09022015). Collection method: clinical testing. Allele origin: germline.
Comment: This sequence change replaces methionine, which is neutral and non-polar, with isoleucine, which is neutral and non-polar, at codon 438 of the CHRNB2 protein (p.Met438Ile). This variant is present in population databases (rs200910048, gnomAD 0.004%). This variant has not been reported in the literature in individuals affected with CHRNB2-related conditions. ClinVar contains an entry for this variant (Variation ID: 205074). Advanced modeling of protein sequence and biophysical properties (such as structural, functional, and spatial information, amino acid conservation, physicochemical variation, residue mobility, and thermodynamic stability) performed at Invitae indicates that this missense variant is not expected to disrupt CHRNB2 protein function with a negative predictive value of 80%. In summary, the available evidence is currently insufficient to determine the role of this variant in disease. Therefore, it has been classified as a Variant of Uncertain Significance.

GeneDx
Classification: Uncertain significance. Last evaluated: 2014-07-09. Review status: criteria provided, single submitter. Criteria: GeneDx Variant Classification (06012015). Collection method: clinical testing. Allele origin: germline. Affected: yes.
Comment: p.Met438Ile (ATG>ATA): c.1314 G>A in exon 5 of the CHRNB2 gene (NM_000748.2). The M438I variant has not been published as a mutation, nor has it been reported as a benign polymorphism to our knowledge. It was not observed in approximately 4,700 individuals of European and African American ancestry in the NHLBI Exome Sequencing Project, indicating it is not a common benign variant in these populations. This substitution alters a conserved position in the predicted cytoplasmic loop between the third and fourth transmembrane domains of the CHRNB2 protein. However, this amino acid substitution does not occur within the transmembrane region of the protein, where the vast majority of pathogenic missense mutations have been identified in association with epilepsy (Steinlein and Bertrand, 2010). Additionally, the M438I variant is a conservative amino acid substitution, which is not likely to impact secondary protein structure as these residues share similar properties. In silico analysis is inconsistent in its predictions as to whether or not the variant is damaging to the protein structure/function. Therefore, based on the currently available information, it is unclear whether this variant is a pathogenic mutation or a rare benign variant. The variant is found in EPILEPSY panel(s).

NM_000748.3(CHRNB2):c.1314G>A (p.Met438Ile)

Gene: CHRNB2 (cholinergic receptor nicotinic beta 2 subunit; plus strand). Cytogenetic location: 1q21.3.
Variant type: single nucleotide variant.
Coding change: c.1314G>A on transcript NM_000748.3 (MANE Select); coding-DNA position 1314, G replaced by A.
Protein change: p.Met438Ile; replaces methionine 438 with isoleucine.
Molecular consequence: missense variant.
Genome position (GRCh38, 1-based): chr1:154,572,137, G>A. VCF-style: chr1-154572137-G-A. GRCh37 (hg19) VCF-style: chr1-154544613-G-A.
Other names: p.M438I:ATG>ATA; short protein forms M438I.
Identifiers: ClinVar variation 205074 (VCV000205074.10), dbSNP rs200910048, ClinGen allele CA313665.